The following is an entry in ClinVar:

ClinVar aggregate classification (germline): Pathogenic (1 of 4 stars; one submission).

Conditions:
Congenital prothrombin deficiency. Also called: Factor II deficiency; HYPOPROTHROMBINEMIA; Hereditary factor II deficiency disease; Inherited hypoprothrombinemia; Congenital factor II deficiency; Inherited prothrombin deficiency. Identifiers: Orphanet 325, MedGen C0272317, MONDO:0013361, OMIM 613679.

Submission:

Labcorp Genetics (formerly Invitae), Labcorp
Classification: Pathogenic for Congenital prothrombin deficiency. Last evaluated: 2025-01-22. Review status: criteria provided, single submitter. Criteria: Invitae Variant Classification Sherloc (09022015). Collection method: clinical testing. Allele origin: germline.
Comment: This sequence change creates a premature translational stop signal (p.Arg560*) in the F2 gene. It is expected to result in an absent or disrupted protein product. Loss-of-function variants in F2 are known to be pathogenic (PMID: 23852823). This variant is not present in population databases (gnomAD no frequency). This variant has not been reported in the literature in individuals affected with F2-related conditions. ClinVar contains an entry for this variant (Variation ID: 3015914). For these reasons, this variant has been classified as Pathogenic.

Literature cited by the submitters: PubMed 23852823.

NM_000506.5(F2):c.1678C>T (p.Arg560Ter)

Gene: F2 (coagulation factor II, thrombin; plus strand). Cytogenetic location: 11p11.2.
Variant type: single nucleotide variant.
Coding change: c.1678C>T on transcript NM_000506.5 (MANE Select); coding-DNA position 1678, C replaced by T.
Protein change: p.Arg560Ter; replaces arginine 560 with a stop codon.
Molecular consequence: nonsense.
Genome position (GRCh38, 1-based): chr11:46,739,071, C>T. VCF-style: chr11-46739071-C-T. GRCh37 (hg19) VCF-style: chr11-46760621-C-T.
Other names: short protein forms R560*.
Identifiers: ClinVar variation 3015914 (VCV003015914.3), dbSNP rs771099379, ClinGen allele CA380259363.